The following is an entry in ClinVar:

ClinVar aggregate classification (germline): Uncertain significance (1 of 4 stars; one submission).

Submission:

GeneDx
Classification: Uncertain significance. Last evaluated: 2022-11-11. Review status: criteria provided, single submitter. Criteria: GeneDx Variant Classification Process June 2021. Collection method: clinical testing. Allele origin: germline. Affected: yes.
Comment: Not observed at significant frequency in large population cohorts (gnomAD); In-frame duplication of one amino acid in a non-repeat region; Has not been previously published as pathogenic or benign to our knowledge

NM_139058.3(ARX):c.884TGC[4] (p.Leu297_His298insLeu)

Gene: ARX (aristaless related homeobox; minus strand). Cytogenetic location: Xp21.3.
Variant type: Microsatellite.
Coding change: c.884TGC[4] on transcript NM_139058.3 (MANE Select); four copies in a row of the 3-base unit TGC starting at c.884; the reference has three copies in a row; one copy, 3 bases duplicated.
Protein change: p.Leu297_His298insLeu.
Molecular consequence: inframe insertion.
Genome position (GRCh38, 1-based): chrX:25,013,103-25,013,105, GCA duplicated on the plus strand (TGC on the coding strand, the reverse complement: ARX is on the minus strand); duplicating any 3 consecutive bases within chrX:25,013,103-25,013,113 gives the same sequence; the position shown is the placement nearest the transcript's 3' end. VCF-style (leftmost placement, unchanged base first): chrX-25013102-T-TGCA. GRCh37 (hg19) VCF-style: chrX-25031219-T-TGCA.
Identifiers: ClinVar variation 2501922 (VCV002501922.1), dbSNP rs2519106462, ClinGen allele CA2580616913.
Genomic context (GRCh38, chrX:25,013,102, plus strand): 5'-TCGCTGCCCGCAGAGAGGCACACGCTGTCCTCGCCGTCCTTGCCCTCAGCGTCTTCCGGG[T>TGCA]GCAGCAGCAGCTCCTCCTTGGGTGACAGCTCCCCGCCCTCTGTGGCCACTGCAGCGGCAG-3'